The following is an entry in ClinVar:

ClinVar aggregate classification (germline): Benign/Likely benign. Review status: criteria provided, multiple submitters, no conflicts (2 of 4 stars). 3 submissions from 3 submitters: Benign (2); Likely benign (1). Last evaluated 2023-02-01.

Allele frequency attached by ClinVar (database versions not stated): ESP Exome Variant Server 0.00015; gnomAD exomes 0.00018 and 0.00079; gnomAD 0.00045 and 0.00056; TOPMed 0.00051; ExAC 0.00075; 1000 Genomes Project 30x 0.00234; 1000 Genomes Project 0.00260.
gnomAD v4.1: 451 of 1,612,628 alleles (0.028%); highest among the groups gnomAD compares: East Asian, 0.55%; 4 homozygotes.

Submissions (3):

CeGaT Center for Human Genetics Tuebingen
Classification: Likely benign. Last evaluated: 2023-02-01. Review status: criteria provided, single submitter. Criteria: CeGaT Center For Human Genetics Tuebingen Variant Classification Criteria Version 2. Collection method: clinical testing. Allele origin: germline. Affected: yes. Observed: 1 variant allele.
Comment: MFHAS1: BP4, BP7, BS2

Labcorp Genetics (formerly Invitae), Labcorp
Classification: Benign. Last evaluated: 2018-08-15. Review status: criteria provided, single submitter. Criteria: Invitae Variant Classification Sherloc (09022015). Collection method: clinical testing. Allele origin: germline.

Breakthrough Genomics
Classification: Benign. Review status: criteria provided, single submitter. Criteria: ACMG Guidelines, 2015. Collection method: not provided. Allele origin: germline. Inheritance: Unknown mechanism. Affected: yes.

NM_004225.3(MFHAS1):c.633G>A (p.Val211=)

Gene: MFHAS1 (multifunctional ROCO family signaling regulator 1). Cytogenetic location: 8p23.1.
Variant type: single nucleotide variant.
Coding change: c.633G>A on transcript NM_004225.3 (MANE Select); coding-DNA position 633, G replaced by A.
Protein change: p.Val211=; no amino-acid change (valine 211 retained).
Molecular consequence: synonymous variant.
Genome position (GRCh38, 1-based): chr8:8,892,426, C>T on the plus strand (G>A on the coding strand, the complement: MFHAS1 is on the minus strand). VCF-style: chr8-8892426-C-T. GRCh37 (hg19) VCF-style: chr8-8749936-C-T.
Identifiers: ClinVar variation 715007 (VCV000715007.28), dbSNP rs374574651, ClinGen allele CA4619457.